The following is an entry in ClinVar:

ClinVar aggregate classification (germline): Uncertain significance (1 of 4 stars; one submission).

gnomAD v4.1: 5 of 1,613,810 alleles (0.00031%); highest among the groups gnomAD compares: South Asian, 0.0055%; no homozygotes.

Submission:

GeneDx
Classification: Uncertain significance. Last evaluated: 2023-05-21. Review status: criteria provided, single submitter. Criteria: GeneDx Variant Classification Process June 2021. Collection method: clinical testing. Allele origin: germline. Affected: yes.
Comment: Not observed at significant frequency in large population cohorts (gnomAD); In silico analysis supports that this missense variant does not alter protein structure/function; Has not been previously published as pathogenic or benign to our knowledge

NM_020937.4(FANCM):c.3247T>G (p.Cys1083Gly)

Gene: FANCM (FA complementation group M; plus strand). Cytogenetic location: 14q21.2.
Variant type: single nucleotide variant.
Coding change: c.3247T>G on transcript NM_020937.4 (MANE Select); coding-DNA position 3247, T replaced by G.
Protein change: p.Cys1083Gly; replaces cysteine 1083 with glycine.
Molecular consequence: missense variant.
Genome position (GRCh38, 1-based): chr14:45,176,001, T>G. VCF-style: chr14-45176001-T-G. GRCh37 (hg19) VCF-style: chr14-45645204-T-G.
Other names: c.3169T>G, p.Cys1057Gly (NM_001308133.2); short protein forms C1057G, C1083G.
Identifiers: ClinVar variation 3343722 (VCV003343722.1).
Genomic context (GRCh38, chr14:45,176,001, plus strand): 5'-AAAAGTTGCCTTTATGATATACCTAATGATAATATTTCTGATGAGCCAAGTCTCTGTGAC[T>G]GTGATGTACATAAACATAATCAAAATGAAAATTTAGTACCTAACAATCGTGTTCAAATAC-3'
Protein context (NP_065988.1, residues 1073-1093): NISDEPSLCD[Cys1083Gly]DVHKHNQNEN